The following is an entry in ClinVar:

NM_001330588.2(TPP2):c.2029G>A (p.Val677Met)

Gene: TPP2 (tripeptidyl peptidase 2; plus strand). Cytogenetic location: 13q33.1.
Variant type: single nucleotide variant.
Coding change: c.2029G>A on transcript NM_001330588.2 (MANE Select); coding-DNA position 2029, G replaced by A.
Protein change: p.Val677Met; replaces valine 677 with methionine.
Molecular consequence: missense variant. On other transcripts: non-coding transcript variant (1).
Genome position (GRCh38, 1-based): chr13:102,643,230, G>A. VCF-style: chr13-102643230-G-A. GRCh37 (hg19) VCF-style: chr13-103295580-G-A.
Other names: c.2029G>A, p.Val677Met (NM_001367947.1, NM_003291.4); short protein forms V677M.
Identifiers: ClinVar variation 1510899 (VCV001510899.6), dbSNP rs2139527878, ClinGen allele CA388493847.

ClinVar aggregate classification (germline): Uncertain significance (1 of 4 stars; one submission).

Conditions:
Evans syndrome, immunodeficiency, and premature immunosenescence associated with tripeptidyl-peptidase II deficiency. Identifiers: MedGen CN231723. Disease mechanism: loss of function.

Submission:

Labcorp Genetics (formerly Invitae), Labcorp
Classification: Uncertain significance for Evans syndrome, immunodeficiency, and premature immunosenescence associated with tripeptidyl-peptidase II deficiency. Last evaluated: 2021-09-15. Review status: criteria provided, single submitter. Criteria: Invitae Variant Classification Sherloc (09022015). Collection method: clinical testing. Allele origin: germline.
Comment: This sequence change replaces valine with methionine at codon 677 of the TPP2 protein (p.Val677Met). The valine residue is moderately conserved and there is a small physicochemical difference between valine and methionine. This variant is not present in population databases (ExAC no frequency). This variant has not been reported in the literature in individuals affected with TPP2-related conditions. Algorithms developed to predict the effect of missense changes on protein structure and function (SIFT, PolyPhen-2, Align-GVGD) all suggest that this variant is likely to be tolerated. In summary, the available evidence is currently insufficient to determine the role of this variant in disease. Therefore, it has been classified as a Variant of Uncertain Significance.